The following is an entry in ClinVar:

ClinVar aggregate classification (germline): Uncertain significance (1 of 4 stars; one submission).

Conditions:
Gastrointestinal stromal tumor. Also called: Gastrointestinal stromal tumor, somatic; Gastrointestinal stroma tumor. Identifiers: Orphanet 44890, MedGen C0238198, MeSH D046152, MONDO:0011719, OMIM 606764, HP:0100723.

Submission:

Labcorp Genetics (formerly Invitae), Labcorp
Classification: Uncertain significance for Gastrointestinal stromal tumor. Last evaluated: 2024-01-29. Review status: criteria provided, single submitter. Criteria: Invitae Variant Classification Sherloc (09022015). Collection method: clinical testing. Allele origin: unknown.
Comment: This variant results in a copy number gain of the genomic region encompassing exon(s) 12-23 of the PDGFRA gene. This region includes the termination codon of the gene. This copy number gain extends beyond the assayed region for this gene and therefore may encompass additional genes. As the precise location of this event is unknown, it may be in tandem or it may be located elsewhere in the genome. This variant has not been reported in the literature in individuals affected with PDGFRA-related conditions. In summary, the available evidence is currently insufficient to determine the role of this variant in disease. Therefore, it has been classified as a Variant of Uncertain Significance.

NC_000004.11:g.(?_55140988)_(55161439_?)dup

Gene: PDGFRA (platelet derived growth factor receptor alpha; plus strand). Cytogenetic location: 4q12.
Variant type: Duplication.
Identifiers: ClinVar variation 3246595 (VCV003246595.1).